The following is an entry in ClinVar:

ClinVar aggregate classification (germline): Likely benign. Review status: criteria provided, multiple submitters, no conflicts (2 of 4 stars). 2 submissions from 2 submitters: Likely benign (2). Last evaluated 2026-08-01.

Conditions:
Acrocallosal syndrome (ACLS). Also called: HALLUX DUPLICATION, POSTAXIAL POLYDACTYLY, AND ABSENCE OF CORPUS CALLOSUM; Schinzel syndrome 1; Absence of corpus callosum with unusual facial appearance, mental deficiency, duplication of the halluces and polydactyly. Identifiers: Orphanet 36, MedGen C0796147, MONDO:0008708, OMIM 200990.

gnomAD v4.1: 10 of 1,610,194 alleles (0.00062%); highest among the groups gnomAD compares: Middle Eastern, 0.018%; no homozygotes.

Submissions (2):

CeGaT Center for Human Genetics Tuebingen
Classification: Likely benign. Last evaluated: 2026-08-01. Review status: criteria provided, single submitter. Criteria: CeGaT Center For Human Genetics Tuebingen Variant Classification Criteria Version 2. Collection method: clinical testing. Allele origin: germline. Affected: yes. Observed: 1 variant allele.
Comment: KIF7: BP4, BP7

Labcorp Genetics (formerly Invitae), Labcorp
Classification: Likely benign for Acrocallosal syndrome. Last evaluated: 2025-11-19. Review status: criteria provided, single submitter. Criteria: Invitae Variant Classification Sherloc (09022015). Collection method: clinical testing. Allele origin: germline.

NM_198525.3(KIF7):c.2247G>A (p.Glu749=)

Gene: KIF7 (kinesin family member 7; minus strand). Cytogenetic location: 15q26.1.
Variant type: single nucleotide variant.
Coding change: c.2247G>A on transcript NM_198525.3 (MANE Select); coding-DNA position 2247, G replaced by A.
Protein change: p.Glu749=; no amino-acid change (glutamic acid 749 retained).
Molecular consequence: synonymous variant.
Genome position (GRCh38, 1-based): chr15:89,642,350, C>T on the plus strand (G>A on the coding strand, the complement: KIF7 is on the minus strand). VCF-style: chr15-89642350-C-T. GRCh37 (hg19) VCF-style: chr15-90185581-C-T.
Identifiers: ClinVar variation 4717437 (VCV004717437.2).